The following is an entry in ClinVar:

NM_000059.4(BRCA2):c.8332-1467C>T

Gene: BRCA2 (BRCA2 DNA repair associated; plus strand). Cytogenetic location: 13q13.1.
Variant type: single nucleotide variant.
Coding change: c.8332-1467C>T on transcript NM_000059.4 (MANE Select); 1467 bases into the intron before coding-DNA position 8332, C replaced by T.
Molecular consequence: intron variant.
Genome position (GRCh38, 1-based): chr13:32,368,935, C>T. VCF-style: chr13-32368935-C-T. GRCh37 (hg19) VCF-style: chr13-32943072-C-T.
Other names: IVS 18-1467C>T.
Identifiers: ClinVar variation 209805 (VCV000209805.1), dbSNP rs143161038, ClinGen allele CA276773.

ClinVar aggregate classification (germline): Benign (3 of 4 stars; one submission).

Conditions:
Breast-ovarian cancer, familial, susceptibility to, 2 (BROVCA2). Also called: BRCA2 Hereditary Breast and Ovarian Cancer. Identifiers: Orphanet 145, MedGen C2675520, MONDO:0012933, OMIM 612555. Disease mechanism: loss of function.

Allele frequency attached by ClinVar (database versions not stated): gnomAD 0.00342 and 0.00483; TOPMed 0.00618; 1000 Genomes Project 30x 0.02311; 1000 Genomes Project 0.02396.
gnomAD v4.1: 724 of 151,650 alleles (0.48%); highest among the groups gnomAD compares: East Asian, 12%; 43 homozygotes.

Submission:

Evidence-based Network for the Interpretation of Germline Mutant Alleles (ENIGMA)
Classification: Benign for Breast-ovarian cancer, familial 2. Last evaluated: 2015-01-12. Review status: reviewed by expert panel. Criteria: ENIGMA BRCA1/2 Classification Criteria (2015). Collection method: curation. Allele origin: germline.
Comment: Class 1 not pathogenic based on frequency >1% in an outbred sampleset. Frequency 0.1259 (Asian), derived from 1000 genomes (2012-04-30).